The following is an entry in ClinVar:

ClinVar aggregate classification (germline): Conflicting classifications of pathogenicity. Review status: criteria provided, conflicting classifications (1 of 4 stars). 5 submissions from 5 submitters: Uncertain significance (1); Likely benign (3). 1 of the submissions does not count toward it. Last evaluated 2025-10-16.

Conditions:
Nephronophthisis. Also called: Juvenile Nephronophthisis. Identifiers: Orphanet 655, MedGen C0687120, MONDO:0019005, HP:0000090.
NPHP4-related disorder. Also called: NPHP4-related disorders; NPHP4-related condition. Identifiers: MedGen CN239384.

Allele frequency attached by ClinVar (database versions not stated): gnomAD 0.00001 and 0.00003; TOPMed 0.00004; gnomAD exomes 0.00005; ExAC 0.00007; 1000 Genomes Project 30x 0.00016; 1000 Genomes Project 0.00020.
gnomAD v4.1: 70 of 1,603,428 alleles (0.0044%); highest among the groups gnomAD compares: East Asian, 0.0067%; no homozygotes.

Submissions (5):

Labcorp Genetics (formerly Invitae), Labcorp
Classification: Likely benign for Nephronophthisis. Last evaluated: 2025-10-16. Review status: criteria provided, single submitter. Criteria: Invitae Variant Classification Sherloc (09022015). Collection method: clinical testing. Allele origin: germline.

Blueprint Genetics
Classification: Likely benign. Last evaluated: 2023-03-27. Review status: criteria provided, single submitter. Criteria: ACMG Guidelines, 2015. Collection method: clinical testing. Allele origin: germline.

CeGaT Center for Human Genetics Tuebingen
Classification: Likely benign. Last evaluated: 2022-12-01. Review status: criteria provided, single submitter. Criteria: CeGaT Center For Human Genetics Tuebingen Variant Classification Criteria Version 2. Collection method: clinical testing. Allele origin: germline. Affected: yes. Observed: 1 variant allele.
Comment: NPHP4: BP4, BP7

Eurofins Ntd Llc (ga)
Classification: Uncertain significance. Last evaluated: 2017-09-13. Review status: criteria provided, single submitter. Criteria: EGL Classification Definitions 2015. Collection method: clinical testing. Allele origin: germline. Observed: 1 variant allele, 1 heterozygote.

PreventionGenetics, part of Exact Sciences
Classification: Likely benign for NPHP4-related condition. Last evaluated: 2024-06-17. Review status: no assertion criteria provided. Collection method: clinical testing. Allele origin: germline. Not counted in ClinVar's aggregate classification.
Comment: This variant is classified as likely benign based on ACMG/AMP sequence variant interpretation guidelines (Richards et al. 2015 PMID: 25741868, with internal and published modifications).

NM_015102.5(NPHP4):c.510C>T (p.Pro170=)

Gene: NPHP4 (nephrocystin 4; minus strand). Cytogenetic location: 1p36.31.
Variant type: single nucleotide variant.
Coding change: c.510C>T on transcript NM_015102.5 (MANE Select); coding-DNA position 510, C replaced by T.
Protein change: p.Pro170=; no amino-acid change (proline 170 retained).
Molecular consequence: synonymous variant. On other transcripts: 5 prime UTR variant (2), non-coding transcript variant (1).
Genome position (GRCh38, 1-based): chr1:5,967,306, G>A on the plus strand (C>T on the coding strand, the complement: NPHP4 is on the minus strand). VCF-style: chr1-5967306-G-A. GRCh37 (hg19) VCF-style: chr1-6027366-G-A.
Other names: c.-720C>T (NM_001291593.2); c.-857C>T (NM_001291594.2).
Identifiers: ClinVar variation 593849 (VCV000593849.40), dbSNP rs545943420, ClinGen allele CA554829.